The following is an entry in ClinVar:

ClinVar aggregate classification (germline): Uncertain significance. Review status: criteria provided, multiple submitters, no conflicts (2 of 4 stars). 2 submissions from 2 submitters: Uncertain significance (2). Last evaluated 2024-04-16.

Conditions:
Autosomal recessive hypophosphatemic bone disease (HHRH). Also called: Hypophosphatemic rickets with hypercalciuria; HYPERCALCIURIC RICKETS. Identifiers: Orphanet 157215, MedGen C1853271, MONDO:0009431, OMIM 241530.

Allele frequency attached by ClinVar (database versions not stated): gnomAD 0.00001; gnomAD exomes 0.00001; TOPMed 0.00002; ExAC 0.00003.
gnomAD v4.1: 19 of 1,611,144 alleles (0.0012%); highest among the groups gnomAD compares: Admixed American, 0.015%; no homozygotes.

Submissions (2):

Fulgent Genetics
Classification: Uncertain significance for Autosomal recessive hypophosphatemic bone disease. Last evaluated: 2024-04-16. Review status: criteria provided, single submitter. Criteria: ACMG Guidelines, 2015. Collection method: clinical testing. Allele origin: germline.

Labcorp Genetics (formerly Invitae), Labcorp
Classification: Uncertain significance. Last evaluated: 2022-09-23. Review status: criteria provided, single submitter. Criteria: Invitae Variant Classification Sherloc (09022015). Collection method: clinical testing. Allele origin: germline.
Comment: This sequence change replaces alanine, which is neutral and non-polar, with threonine, which is neutral and polar, at codon 437 of the SLC34A3 protein (p.Ala437Thr). This variant is present in population databases (rs761862841, gnomAD 0.02%). This variant has not been reported in the literature in individuals affected with SLC34A3-related conditions. Advanced modeling of protein sequence and biophysical properties (such as structural, functional, and spatial information, amino acid conservation, physicochemical variation, residue mobility, and thermodynamic stability) performed at Invitae indicates that this missense variant is not expected to disrupt SLC34A3 protein function. In summary, the available evidence is currently insufficient to determine the role of this variant in disease. Therefore, it has been classified as a Variant of Uncertain Significance.

NM_001177316.2(SLC34A3):c.1309G>A (p.Ala437Thr)

Gene: SLC34A3 (solute carrier family 34 member 3; plus strand). Cytogenetic location: 9q34.3.
Variant type: single nucleotide variant.
Coding change: c.1309G>A on transcript NM_001177316.2 (MANE Select); coding-DNA position 1309, G replaced by A.
Protein change: p.Ala437Thr; replaces alanine 437 with threonine.
Molecular consequence: missense variant.
Genome position (GRCh38, 1-based): chr9:137,234,705, G>A. VCF-style: chr9-137234705-G-A. GRCh37 (hg19) VCF-style: chr9-140129157-G-A.
Other names: c.1309G>A, p.Ala437Thr (NM_001177317.2, NM_080877.3); c.1309G>A (NM_080877.2); short protein forms A437T.
Identifiers: ClinVar variation 1917324 (VCV001917324.3), dbSNP rs761862841, ClinGen allele CA5364889.